The following is an entry in ClinVar:

ClinVar aggregate classification (germline): Uncertain significance (1 of 4 stars; one submission).

Conditions:
Fanconi anemia (FA). Also called: Fanconi's anemia. Identifiers: Orphanet 84, MedGen C0015625, MeSH D005199, MONDO:0019391.

Submission:

Labcorp Genetics (formerly Invitae), Labcorp
Classification: Uncertain significance for Fanconi anemia. Last evaluated: 2022-01-06. Review status: criteria provided, single submitter. Criteria: Invitae Variant Classification Sherloc (09022015). Collection method: clinical testing. Allele origin: germline.
Comment: In summary, the available evidence is currently insufficient to determine the role of this variant in disease. Therefore, it has been classified as a Variant of Uncertain Significance. Advanced modeling of protein sequence and biophysical properties (such as structural, functional, and spatial information, amino acid conservation, physicochemical variation, residue mobility, and thermodynamic stability) performed at Invitae indicates that this missense variant is not expected to disrupt FANCA protein function. This variant has not been reported in the literature in individuals affected with FANCA-related conditions. This variant is not present in population databases (gnomAD no frequency). This sequence change replaces proline, which is neutral and non-polar, with histidine, which is basic and polar, at codon 1100 of the FANCA protein (p.Pro1100His).

NM_000135.4(FANCA):c.3299C>A (p.Pro1100His)

Gene: FANCA (FA complementation group A; minus strand). Cytogenetic location: 16q24.3.
Variant type: single nucleotide variant.
Coding change: c.3299C>A on transcript NM_000135.4 (MANE Select); coding-DNA position 3299, C replaced by A.
Protein change: p.Pro1100His; replaces proline 1100 with histidine.
Molecular consequence: missense variant.
Genome position (GRCh38, 1-based): chr16:89,748,708, G>T on the plus strand (C>A on the coding strand, the complement: FANCA is on the minus strand). VCF-style: chr16-89748708-G-T. GRCh37 (hg19) VCF-style: chr16-89815116-G-T.
Other names: c.3299C>A, p.Pro1100His (NM_001286167.3); short protein forms P1100H.
Identifiers: ClinVar variation 2055836 (VCV002055836.4), dbSNP rs2544126141, ClinGen allele CA397486288.